The following is an entry in ClinVar:

ClinVar aggregate classification (germline): Benign/Likely benign. Review status: criteria provided, multiple submitters, no conflicts (2 of 4 stars). 4 submissions from 4 submitters: Benign (3); Likely benign (1). Last evaluated 2024-11-28.

Conditions:
Hydatidiform mole, recurrent, 1 (HYDM1). Identifiers: Orphanet 254688, Orphanet 99927, MedGen C3463897, MONDO:0009273, OMIM 231090. Disease mechanism: loss of function.

Allele frequency attached by ClinVar (database versions not stated): gnomAD exomes 0.01283 and 0.01329; ExAC 0.01410; 1000 Genomes Project 0.02476; 1000 Genomes Project 30x 0.02748; gnomAD 0.02991 and 0.03179; TOPMed 0.03212; ESP Exome Variant Server 0.03383.
gnomAD v4.1: 23,496 of 1,613,614 alleles (1.5%); highest among the groups gnomAD compares: African/African-American, 7.5%; 350 homozygotes.

Submissions (4):

Blueprint Genetics
Classification: Likely benign. Last evaluated: 2024-11-28. Review status: criteria provided, single submitter. Criteria: ACMG Guidelines, 2015. Collection method: clinical testing. Allele origin: germline.

Illumina Laboratory Services, Illumina
Classification: Benign for Hydatidiform mole, recurrent, 1. Last evaluated: 2017-04-27. Review status: criteria provided, single submitter. Criteria: ICSL Variant Classification Criteria 13 December 2019. Collection method: clinical testing. Allele origin: germline.
Comment: This variant was observed as part of a predisposition screen in an ostensibly healthy population. A literature search was performed for the gene, cDNA change, and amino acid change (where applicable). Publications were found based on this search. The evidence from the literature, in combination with allele frequency data from public databases where available, was sufficient to rule this variant out of causing disease. Therefore, this variant is classified as benign.

Eurofins Ntd Llc (ga)
Classification: Benign. Last evaluated: 2016-04-14. Review status: criteria provided, single submitter. Criteria: EGL Classification Definitions 2015. Collection method: clinical testing. Allele origin: germline. Observed: 1 variant allele, 1 heterozygote.

Breakthrough Genomics
Classification: Benign. Review status: criteria provided, single submitter. Criteria: ACMG Guidelines, 2015. Collection method: not provided. Allele origin: germline. Inheritance: Autosomal recessive inheritance. Affected: yes.

Literature cited by the submitters: PubMed 22646272 (cited by Illumina Laboratory Services, Illumina); PubMed 19066229 (cited by Illumina Laboratory Services, Illumina); PubMed 21659348 (cited by Illumina Laboratory Services, Illumina).

NM_001127255.2(NLRP7):c.1532A>G (p.Lys511Arg)

Gene: NLRP7 (NLR family pyrin domain containing 7; minus strand). Cytogenetic location: 19q13.42.
Variant type: single nucleotide variant.
Coding change: c.1532A>G on transcript NM_001127255.2 (MANE Select); coding-DNA position 1532, A replaced by G.
Protein change: p.Lys511Arg; replaces lysine 511 with arginine.
Molecular consequence: missense variant.
Genome position (GRCh38, 1-based): chr19:54,939,287, T>C on the plus strand (A>G on the coding strand, the complement: NLRP7 is on the minus strand). VCF-style: chr19-54939287-T-C. GRCh37 (hg19) VCF-style: chr19-55450655-T-C.
Other names: c.1532A>G, p.Lys511Arg (NM_001405531.1, NM_139176.4, NM_206828.4); short protein forms K511R.
Identifiers: ClinVar variation 287475 (VCV000287475.13), dbSNP rs61743949, ClinGen allele CA310017690.